The following is an entry in ClinVar:

NC_000022.11:g.40345588_40345589insAAAAAAAAGG

Gene: ADSL (adenylosuccinate lyase; plus strand). Cytogenetic location: 22q13.1.
Variant type: Insertion.
Genome position: GRCh38 VCF-style: chr22-40345588-A-AAAAAAAAAGG. GRCh37 (hg19) VCF-style: chr22-40741592-A-AAAAAAAAAGG.
Identifiers: ClinVar variation 1904950 (VCV001904950.6), dbSNP rs377707583, ClinGen allele CA753179477.
Genomic context (GRCh38, chr22:40,345,588, plus strand): 5'-ATCACCCCACTGGCACTCCAGACTGAACAACATAGCAAGACCCTGTCAAAAAAAAAAAAA[A>AAAAAAAAAGG]GGGGGGGGGCCACTTGAGTGTTTCTATTTCTATTTATTTATTTAATTCTTTTATTTTTTG-3'

ClinVar aggregate classification (germline): Uncertain significance (1 of 4 stars; one submission).

Conditions:
Adenylosuccinate lyase deficiency (ADSLD). Also called: ADSL DEFICIENCY. Identifiers: Orphanet 46, MedGen C0268126, MONDO:0007068, OMIM 103050.

Submission:

Labcorp Genetics (formerly Invitae), Labcorp
Classification: Uncertain significance for Adenylosuccinate lyase deficiency. Last evaluated: 2020-12-22. Review status: criteria provided, single submitter. Criteria: Invitae Variant Classification Sherloc (09022015). Collection method: clinical testing. Allele origin: germline.
Comment: In summary, the available evidence is currently insufficient to determine the role of this variant in disease. Therefore, it has been classified as a Variant of Uncertain Significance. Experimental studies and prediction algorithms are not available or were not evaluated, and the functional significance of this variant is currently unknown. This variant has not been reported in the literature in individuals with ADSL-related conditions. The frequency data for this variant in the population databases is considered unreliable, as metrics indicate insufficient coverage at this position in the ExAC database. This variant occurs in a non-coding region of the ADSL gene. It does not change the encoded amino acid sequence of the ADSL protein.